The following is an entry in ClinVar:

ClinVar aggregate classification (germline): Uncertain significance (1 of 4 stars; one submission).

Conditions:
Inborn genetic diseases. Identifiers: MedGen C0950123, MeSH D030342.

Submission:

Ambry Genetics
Classification: Uncertain significance for Inborn genetic diseases. Last evaluated: 2021-09-07. Review status: criteria provided, single submitter. Criteria: Ambry Variant Classification Scheme 2023. Collection method: clinical testing. Allele origin: germline.
Comment: The c.506_508dupGAA (p.R169dup) alteration is located in exon 5 (coding exon 5) of the NDUFS4 gene. The alteration consists of an in-frame duplication of 3 nucleotides from position 506 to 508, resulting in the duplication of <NA> residues. Based on insufficient or conflicting evidence, the clinical significance of this alteration remains unclear.

NM_002495.4(NDUFS4):c.506_508dup (p.Arg169_Thr170insArg)

Gene: NDUFS4 (NADH:ubiquinone oxidoreductase subunit S4; plus strand). Cytogenetic location: 5q11.2.
Variant type: Duplication.
Coding change: c.506_508dup on transcript NM_002495.4 (MANE Select); coding-DNA positions 506 to 508, 3 bases duplicated (GAA; older notation c.506_508dupGAA).
Protein change: p.Arg169_Thr170insArg.
Molecular consequence: inframe insertion. On other transcripts: 3 prime UTR variant (1), non-coding transcript variant (3).
Genome position (GRCh38, 1-based): chr5:53,683,199-53,683,201, GAA duplicated; duplicating any 3 consecutive bases within chr5:53,683,197-53,683,201 gives the same sequence; the c. name uses the placement nearest the transcript's 3' end. VCF-style (leftmost placement, unchanged base first): chr5-53683196-A-AAAG. GRCh37 (hg19) VCF-style: chr5-52979026-A-AAAG.
Other names: c.*69_*71dup (NM_001318051.2).
Identifiers: ClinVar variation 2403916 (VCV002403916.2), dbSNP rs774271372, ClinGen allele CA3264351.